The following is an entry in ClinVar:

NM_004370.6(COL12A1):c.7620A>T (p.Val2540=)

Gene: COL12A1 (collagen type XII alpha 1 chain; minus strand). Cytogenetic location: 6q13.
Variant type: single nucleotide variant.
Coding change: c.7620A>T on transcript NM_004370.6 (MANE Select); coding-DNA position 7620, A replaced by T.
Protein change: p.Val2540=; no amino-acid change (valine 2540 retained).
Molecular consequence: synonymous variant.
Genome position (GRCh38, 1-based): chr6:75,115,861, T>A on the plus strand (A>T on the coding strand, the complement: COL12A1 is on the minus strand). VCF-style: chr6-75115861-T-A. GRCh37 (hg19) VCF-style: chr6-75825577-T-A.
Other names: c.4128A>T, p.Val1376= (NM_080645.3).
Identifiers: ClinVar variation 1949054 (VCV001949054.11), dbSNP rs542659971, ClinGen allele CA3892509.

ClinVar aggregate classification (germline): Likely benign. Review status: criteria provided, multiple submitters, no conflicts (2 of 4 stars). 2 submissions from 2 submitters: Likely benign (2). Last evaluated 2025-11-01.

Conditions:
Ullrich congenital muscular dystrophy 2 (UCMD2). Identifiers: Orphanet 75840, MedGen C4225314, MONDO:0014654, OMIM 616470.
Bethlem myopathy 2 (BTHLM2). Identifiers: Orphanet 536516, Orphanet 610, MedGen C4225313, MONDO:0034022, OMIM 616471.

Allele frequency attached by ClinVar (database versions not stated): ExAC 0.00001; TOPMed 0.00005; 1000 Genomes Project 30x 0.00016; 1000 Genomes Project 0.00020.
gnomAD v4.1: 19 of 1,613,622 alleles (0.0012%); highest among the groups gnomAD compares: African/African-American, 0.02%; no homozygotes.

Submissions (2):

CeGaT Center for Human Genetics Tuebingen
Classification: Likely benign. Last evaluated: 2025-11-01. Review status: criteria provided, single submitter. Criteria: CeGaT Center For Human Genetics Tuebingen Variant Classification Criteria Version 2. Collection method: clinical testing. Allele origin: germline. Affected: yes. Observed: 1 variant allele.
Comment: COL12A1: BP4, BP7

Labcorp Genetics (formerly Invitae), Labcorp
Classification: Likely benign for Bethlem myopathy 2; Ullrich congenital muscular dystrophy 2. Last evaluated: 2025-03-26. Review status: criteria provided, single submitter. Criteria: Invitae Variant Classification Sherloc (09022015). Collection method: clinical testing. Allele origin: germline.